The following is an entry in ClinVar:

ClinVar aggregate classification (germline): Uncertain significance (1 of 4 stars; one submission).

Submission:

CeGaT Center for Human Genetics Tuebingen
Classification: Uncertain significance. Last evaluated: 2026-08-01. Review status: criteria provided, single submitter. Criteria: CeGaT Center For Human Genetics Tuebingen Variant Classification Criteria Version 2. Collection method: clinical testing. Allele origin: germline. Affected: yes. Observed: 1 variant allele.
Comment: SRCAP: PM2

NM_006662.3(SRCAP):c.4846C>T (p.Pro1616Ser)

Gene: SRCAP (Snf2 related CREBBP activator protein; plus strand). Cytogenetic location: 16p11.2.
Variant type: single nucleotide variant.
Coding change: c.4846C>T on transcript NM_006662.3 (MANE Select); coding-DNA position 4846, C replaced by T.
Protein change: p.Pro1616Ser; replaces proline 1616 with serine.
Molecular consequence: missense variant.
Genome position (GRCh38, 1-based): chr16:30,724,270, C>T. VCF-style: chr16-30724270-C-T. GRCh37 (hg19) VCF-style: chr16-30735591-C-T.
Other names: short protein forms P1616S.
Identifiers: ClinVar variation 5040604 (VCV005040604.1).